The following is an entry in ClinVar:

NM_022124.6(CDH23):c.5892C>G (p.Tyr1964Ter)

Gene: CDH23 (cadherin related 23; plus strand). Cytogenetic location: 10q22.1.
Variant type: single nucleotide variant.
Coding change: c.5892C>G on transcript NM_022124.6 (MANE Select); coding-DNA position 5892, C replaced by G.
Protein change: p.Tyr1964Ter; replaces tyrosine 1964 with a stop codon.
Molecular consequence: nonsense.
Genome position (GRCh38, 1-based): chr10:71,789,011, C>G. VCF-style: chr10-71789011-C-G. GRCh37 (hg19) VCF-style: chr10-73548768-C-G.
Other names: short protein forms Y1964*.
Identifiers: ClinVar variation 4816086 (VCV004816086.2).
Genomic context (GRCh38, chr10:71,789,011, plus strand): 5'-GCTTCTGATCTTCCTTTCTGATGAGAATGACAACCACCCCCTCTTCACTAAAAGCACCTA[C>G]CAGGCAGAGGTGATGGAAAACTCTCCCGCTGGTAGGTGCTGGGCCCACCCGGGAGCTCCT-3'

ClinVar aggregate classification (germline): Likely pathogenic. Review status: criteria provided, multiple submitters, no conflicts (2 of 4 stars). 2 submissions from 2 submitters: Likely pathogenic (2). Last evaluated 2026-03-25.

Conditions:
Usher syndrome type 1 (USH1). Also called: RETINITIS PIGMENTOSA AND CONGENITAL DEAFNESS. Identifiers: Orphanet 231169, Orphanet 886, MedGen C1568247, MONDO:0010168, OMIM 276900.

Submissions (2):

GeneDx
Classification: Likely pathogenic. Last evaluated: 2026-03-25. Review status: criteria provided, single submitter. Criteria: GeneDx Variant Classification Process June 2021. Collection method: clinical testing. Allele origin: germline.
Comment: Nonsense variant predicted to result in protein truncation or nonsense mediated decay in a gene for which loss of function is a known mechanism of disease; Not observed at significant frequency in large population cohorts (gnomAD); Has not been previously published as pathogenic or benign to our knowledge

Natera, Inc.
Classification: Likely pathogenic for Usher syndrome type 1. Last evaluated: 2024-09-14. Review status: criteria provided, single submitter. Criteria: Natera Variant Classification Schema (03/2026). Collection method: clinical testing. Allele origin: germline.
Comment: The c.5892C>G variant in CDH23 is a nonsense variant predicted to introduce a stop codon at amino acid 1964. This variant is expected to result in nonsense mediated decay, truncation, or a dysfunctional protein product. This variant is rare in the general population with a frequency below the threshold expected for the associated phenotype(s). Given the available evidence, this variant is classified as Likely Pathogenic.